The following is an entry in ClinVar:

NM_001365951.3(KIF1B):c.4245_4247del (p.Ser1416del)

Gene: KIF1B (kinesin family member 1B; plus strand). Cytogenetic location: 1p36.22.
Variant type: Deletion.
Coding change: c.4245_4247del on transcript NM_001365951.3 (MANE Select); coding-DNA positions 4245 to 4247, 3 bases deleted (CTC; older notation c.4245_4247delCTC).
Protein change: p.Ser1416del; deletes serine 1416.
Molecular consequence: inframe deletion.
Genome position (GRCh38, 1-based): chr1:10,361,766-10,361,768, CTC deleted. VCF-style (leftmost placement, unchanged base first): chr1-10361765-TCTC-T. GRCh37 (hg19) VCF-style: chr1-10421823-TCTC-T.
Other names: c.4107_4109delCTC (NM_015074.3); c.4245_4247del, p.Ser1416del (NM_001365952.1); c.4107_4109del, p.Ser1370del (NM_015074.3); short protein forms S1370del, S1416del.
Identifiers: ClinVar variation 1737887 (VCV001737887.3), dbSNP rs2521886106, ClinGen allele CA2580060454.

ClinVar aggregate classification (germline): Uncertain significance. Review status: criteria provided, multiple submitters, no conflicts (2 of 4 stars). 2 submissions from 2 submitters: Uncertain significance (2). Last evaluated 2025-07-30.

Conditions:
Charcot-Marie-Tooth disease type 2. Also called: Charcot-Marie-Tooth type 2. Identifiers: Orphanet 64746, MedGen C0270914, MONDO:0018993.

Submissions (2):

Labcorp Genetics (formerly Invitae), Labcorp
Classification: Uncertain significance for Charcot-Marie-Tooth disease type 2. Last evaluated: 2025-07-30. Review status: criteria provided, single submitter. Criteria: Invitae Variant Classification Sherloc (09022015). Collection method: clinical testing. Allele origin: germline.
Comment: This variant, c.4107_4109del, results in the deletion of 1 amino acid(s) of the KIF1B protein (p.Ser1370del), but otherwise preserves the integrity of the reading frame. This variant is not present in population databases (gnomAD no frequency). This variant has not been reported in the literature in individuals affected with KIF1B-related conditions. ClinVar contains an entry for this variant (Variation ID: 1737887). Experimental studies and prediction algorithms are not available or were not evaluated, and the functional significance of this variant is currently unknown. In summary, the available evidence is currently insufficient to determine the role of this variant in disease. Therefore, it has been classified as a Variant of Uncertain Significance.

Ambry Genetics
Classification: Uncertain significance. Last evaluated: 2023-12-06. Review status: criteria provided, single submitter. Criteria: Ambry Variant Classification Scheme 2023. Collection method: clinical testing. Allele origin: germline.
Comment: The c.4107_4109delCTC variant (also known as p.S1370del) is located in coding exon 37 of the KIF1B gene. This variant results from an in-frame CTC deletion at nucleotide positions 4107 to 4109. This results in the in-frame deletion of a serine at codon 1370. In addition, the in silico prediction for this alteration is inconclusive (Choi Y et al. PLoS ONE. 2012; 7(10):e46688). This amino acid position is highly conserved in available vertebrate species. Since supporting evidence is limited at this time, the clinical significance of this alteration remains unclear.